The following is an entry in ClinVar:

NM_001278716.2(FBXL4):c.1628A>G (p.Asn543Ser)

Gene: FBXL4 (F-box and leucine rich repeat protein 4; minus strand). Cytogenetic location: 6q16.1.
Variant type: single nucleotide variant.
Coding change: c.1628A>G on transcript NM_001278716.2 (MANE Select); coding-DNA position 1628, A replaced by G.
Protein change: p.Asn543Ser; replaces asparagine 543 with serine.
Molecular consequence: missense variant. On other transcripts: non-coding transcript variant (1).
Genome position (GRCh38, 1-based): chr6:98,875,489, T>C on the plus strand (A>G on the coding strand, the complement: FBXL4 is on the minus strand). VCF-style: chr6-98875489-T-C. GRCh37 (hg19) VCF-style: chr6-99323365-T-C.
Other names: c.1628A>G, p.Asn543Ser (NM_012160.5); short protein forms N543S.
Identifiers: ClinVar variation 2111469 (VCV002111469.4), dbSNP rs371973036, ClinGen allele CA143896423.
Genomic context (GRCh38, chr6:98,875,489, plus strand): 5'-TGCTGTAACCTGGTACAATTACATGCCAATTCATCAATGTCTGTGTCACACACAGATCTA[T>C]TAGCTGTAAGAAAGAGTTTTTGCAAGTTTGGGAGCTGGTGTGCCAGTCTGGTGAAGCACC-3'
Protein context (NP_001265645.1, residues 533-553): PNLQKLFLTA[Asn543Ser]RSVCDTDIDE

ClinVar aggregate classification (germline): Uncertain significance (1 of 4 stars; one submission).

Allele frequency attached by ClinVar (database versions not stated): TOPMed below 0.00001; ESP Exome Variant Server 0.00008.

Submission:

Labcorp Genetics (formerly Invitae), Labcorp
Classification: Uncertain significance. Last evaluated: 2022-03-13. Review status: criteria provided, single submitter. Criteria: Invitae Variant Classification Sherloc (09022015). Collection method: clinical testing. Allele origin: germline.
Comment: This variant has not been reported in the literature in individuals affected with FBXL4-related conditions. This variant is not present in population databases (gnomAD no frequency). This sequence change replaces asparagine, which is neutral and polar, with serine, which is neutral and polar, at codon 543 of the FBXL4 protein (p.Asn543Ser). Advanced modeling of protein sequence and biophysical properties (such as structural, functional, and spatial information, amino acid conservation, physicochemical variation, residue mobility, and thermodynamic stability) performed at Invitae indicates that this missense variant is expected to disrupt FBXL4 protein function. In summary, the available evidence is currently insufficient to determine the role of this variant in disease. Therefore, it has been classified as a Variant of Uncertain Significance.